The following is an entry in ClinVar:

NM_017852.5(NLRP2):c.1075T>C (p.Phe359Leu)

Gene: NLRP2 (NLR family pyrin domain containing 2; plus strand). Cytogenetic location: 19q13.42.
Variant type: single nucleotide variant.
Coding change: c.1075T>C on transcript NM_017852.5 (MANE Select); coding-DNA position 1075, T replaced by C.
Protein change: p.Phe359Leu; replaces phenylalanine 359 with leucine.
Molecular consequence: missense variant. On other transcripts: non-coding transcript variant (1).
Genome position (GRCh38, 1-based): chr19:54,982,773, T>C. VCF-style: chr19-54982773-T-C. GRCh37 (hg19) VCF-style: chr19-55494141-T-C.
Other names: c.1075T>C (NM_001174081.2); c.1075T>C, p.Phe359Leu (NM_001174081.3); c.1009T>C, p.Phe337Leu (NM_001174082.3); c.1006T>C, p.Phe336Leu (NM_001174083.2); c.1066T>C, p.Phe356Leu (NM_001348003.2); short protein forms F336L, F356L, F359L, F337L.
Identifiers: ClinVar variation 777723 (VCV000777723.34), dbSNP rs62124644, ClinGen allele CA310103716.
Genomic context (GRCh38, chr19:54,982,773, plus strand): 5'-AGGGCCCTGAGGGACCTCCGGATCCTGGCGGAGGAGCCGATCTACATAAGGGTGGAGGGC[T>C]TCCTGGAGGAGGACAGGAGGGCCTATTTCCTGAGACACTTTGGAGACGAGGACCAAGCCA-3'
Protein context (NP_060322.1, residues 349-369): EEPIYIRVEG[Phe359Leu]LEEDRRAYFL

ClinVar aggregate classification (germline): Benign. Review status: criteria provided, multiple submitters, no conflicts (2 of 4 stars). 4 submissions from 4 submitters: Benign (3). 1 of the submissions does not count toward it. Last evaluated 2024-10-01.

Conditions:
NLRP2-related disorder. Also called: NLRP2-related condition.

Allele frequency attached by ClinVar (database versions not stated): 1000 Genomes Project 30x 0.00234; 1000 Genomes Project 0.00240; TOPMed 0.00631; gnomAD 0.00675 and 0.00686; gnomAD exomes 0.00694 and 0.01009; ExAC 0.00730; ESP Exome Variant Server 0.00861.

Submissions (4):

CeGaT Center for Human Genetics Tuebingen
Classification: Benign. Last evaluated: 2024-10-01. Review status: criteria provided, single submitter. Criteria: CeGaT Center For Human Genetics Tuebingen Variant Classification Criteria Version 2. Collection method: clinical testing. Allele origin: germline. Affected: yes. Observed: 3 variant alleles.
Comment: NLRP2: BS1, BS2

Labcorp Genetics (formerly Invitae), Labcorp
Classification: Benign. Last evaluated: 2018-01-30. Review status: criteria provided, single submitter. Criteria: Invitae Variant Classification Sherloc (09022015). Collection method: clinical testing. Allele origin: germline.

Breakthrough Genomics
Classification: Benign. Review status: criteria provided, single submitter. Criteria: ACMG Guidelines, 2015. Collection method: not provided. Allele origin: germline. Inheritance: Unknown mechanism. Affected: yes.

PreventionGenetics, part of Exact Sciences
Classification: Likely benign for NLRP2-related condition. Last evaluated: 2020-05-11. Review status: no assertion criteria provided. Collection method: clinical testing. Allele origin: germline. Not counted in ClinVar's aggregate classification.
Comment: This variant is classified as likely benign based on ACMG/AMP sequence variant interpretation guidelines (Richards et al. 2015 PMID: 25741868, with internal and published modifications).